The following is an entry in ClinVar:

NM_002485.5(NBN):c.1809C>G (p.Phe603Leu)

Gene: NBN (nibrin; minus strand). Cytogenetic location: 8q21.3.
Variant type: single nucleotide variant.
Coding change: c.1809C>G on transcript NM_002485.5 (MANE Select); coding-DNA position 1809, C replaced by G.
Protein change: p.Phe603Leu; replaces phenylalanine 603 with leucine.
Molecular consequence: missense variant.
Genome position (GRCh38, 1-based): chr8:89,953,280, G>C on the plus strand (C>G on the coding strand, the complement: NBN is on the minus strand). VCF-style: chr8-89953280-G-C. GRCh37 (hg19) VCF-style: chr8-90965508-G-C.
Other names: c.1563C>G, p.Phe521Leu (NM_001024688.3); short protein forms F521L, F603L.
Identifiers: ClinVar variation 1171527 (VCV001171527.6), dbSNP rs192236678, ClinGen allele CA371655043.

ClinVar aggregate classification (germline): Uncertain significance (1 of 4 stars; one submission).

Conditions:
Hereditary cancer-predisposing syndrome. Also called: Tumor predisposition; Hereditary neoplastic syndrome; Hereditary Cancer Syndrome; Neoplastic Syndromes, Hereditary. Identifiers: Orphanet 140162, MedGen C0027672, MeSH D009386, MONDO:0015356.

Submission:

Ambry Genetics
Classification: Uncertain significance for Hereditary cancer-predisposing syndrome. Last evaluated: 2024-06-21. Review status: criteria provided, single submitter. Criteria: Ambry Variant Classification Scheme 2023. Collection method: clinical testing. Allele origin: germline.
Comment: The p.F603L variant (also known as c.1809C>G), located in coding exon 11 of the NBN gene, results from a C to G substitution at nucleotide position 1809. The phenylalanine at codon 603 is replaced by leucine, an amino acid with highly similar properties. This amino acid position is not well conserved in available vertebrate species. In addition, this alteration is predicted to be tolerated by in silico analysis. Since supporting evidence is limited at this time, the clinical significance of this alteration remains unclear.